The following is an entry in ClinVar:

NM_001940.4(ATN1):c.3323T>C (p.Leu1108Pro)

Gene: ATN1 (atrophin 1; plus strand). Cytogenetic location: 12p13.31.
Variant type: single nucleotide variant.
Coding change: c.3323T>C on transcript NM_001940.4 (MANE Select); coding-DNA position 3323, T replaced by C.
Protein change: p.Leu1108Pro; replaces leucine 1108 with proline.
Molecular consequence: missense variant.
Genome position (GRCh38, 1-based): chr12:6,940,988, T>C. VCF-style: chr12-6940988-T-C. GRCh37 (hg19) VCF-style: chr12-7050151-T-C.
Other names: c.3323T>C, p.Leu1108Pro (NM_001007026.2, NM_001424176.1, NM_001424177.1 and 1 more transcripts); c.3320T>C, p.Leu1107Pro (NM_001424179.1, NM_001424180.1); c.3299T>C, p.Leu1100Pro (NM_001424182.1); short protein forms L1100P, L1107P, L1108P.
Identifiers: ClinVar variation 3345061 (VCV003345061.3).

ClinVar aggregate classification (germline): Uncertain significance. Review status: criteria provided, single submitter (1 of 4 stars). 2 submissions from 2 submitters: Uncertain significance (1). 1 of the submissions does not count toward it. Last evaluated 2024-10-21.

Conditions:
ATN1-related disorder. Also called: ATN1-related disorders; ATN1-related condition.

Submissions (2):

Dasa
Classification: Uncertain significance. Last evaluated: 2024-10-21. Review status: criteria provided, single submitter. Criteria: DASA Assertion Criteria. Collection method: clinical testing. Allele origin: germline.
Comment: NM_001940.4(ATN1):c.3323T>C (p.Leu1108Pro) is a missense variant that results in the substitution of leucine with proline. This variant is absent from population databases. Computational prediction algorithms are consistent with a benign effect. The currently available literature and clinical evidence are not sufficient to establish a definitive association between this variant and the reported condition. Therefore, this variant is classified as a variant of uncertain significance.

PreventionGenetics, part of Exact Sciences
Classification: Uncertain significance for ATN1-related condition. Last evaluated: 2024-05-08. Review status: no assertion criteria provided. Collection method: clinical testing. Allele origin: germline. Not counted in ClinVar's aggregate classification.
Comment: The ATN1 c.3323T>C variant is predicted to result in the amino acid substitution p.Leu1108Pro. To our knowledge, this variant has not been reported in the literature or in a large population database, indicating this variant is rare. At this time, the clinical significance of this variant is uncertain due to the absence of conclusive functional and genetic evidence.